The following is an entry in ClinVar:

ClinVar aggregate classification (germline): Uncertain significance (1 of 4 stars; one submission).

Submission:

GeneDx
Classification: Uncertain significance. Last evaluated: 2024-08-06. Review status: criteria provided, single submitter. Criteria: GeneDx Variant Classification Process June 2021. Collection method: clinical testing. Allele origin: germline. Affected: yes.
Comment: Not observed at significant frequency in large population cohorts (gnomAD); In silico analysis supports that this missense variant has a deleterious effect on protein structure/function; Has not been previously published as pathogenic or benign to our knowledge

NM_001378969.1(KCND3):c.600C>A (p.Asn200Lys)

Gene: KCND3 (potassium voltage-gated channel subfamily D member 3; minus strand). Cytogenetic location: 1p13.2.
Variant type: single nucleotide variant.
Coding change: c.600C>A on transcript NM_001378969.1 (MANE Select); coding-DNA position 600, C replaced by A.
Protein change: p.Asn200Lys; replaces asparagine 200 with lysine.
Molecular consequence: missense variant.
Genome position (GRCh38, 1-based): chr1:111,982,127, G>T on the plus strand (C>A on the coding strand, the complement: KCND3 is on the minus strand). VCF-style: chr1-111982127-G-T. GRCh37 (hg19) VCF-style: chr1-112524749-G-T.
Other names: c.600C>A, p.Asn200Lys (NM_001378970.1, NM_004980.5, NM_172198.3); short protein forms N200K.
Identifiers: ClinVar variation 3602801 (VCV003602801.1).